The following is an entry in ClinVar:

NM_000062.3(SERPING1):c.382_391dup (p.Ser131fs)

Gene: SERPING1 (serpin family G member 1; plus strand). Cytogenetic location: 11q12.1.
Variant type: Duplication.
Coding change: c.382_391dup on transcript NM_000062.3 (MANE Select); coding-DNA positions 382 to 391, 10 bases duplicated (ACTCTCTGCT; older notation c.382_391dupACTCTCTGCT).
Protein change: p.Ser131fs; shifts the reading frame from serine 131.
Molecular consequence: frameshift variant.
Genome position (GRCh38, 1-based): chr11:57,600,209-57,600,218, ACTCTCTGCT duplicated; duplicating any 10 consecutive bases within chr11:57,600,208-57,600,218 gives the same sequence; the c. name uses the placement nearest the transcript's 3' end. VCF-style (leftmost placement, unchanged base first): chr11-57600207-T-TTACTCTCTGC. GRCh37 (hg19) VCF-style: chr11-57367680-T-TTACTCTCTGC.
Other names: c.382_391dup, p.Ser131fs (NM_001032295.2); short protein forms S131fs.
Identifiers: ClinVar variation 3255483 (VCV003255483.2), dbSNP rs2495426314.
Genomic context (GRCh38, chr11:57,600,207, plus strand): 5'-CCCAGCTCCCAACAGATTCTCCTACCCAGCCCACTACTGGGTCCTTCTGCCCAGGACCTG[T>TTACTCTCTGC]TACTCTCTGCTCTGACTTGGAGAGTCATTCAACAGAGGCCGTGTTGGGGGATGCTTTGGT-3'

ClinVar aggregate classification (germline): Pathogenic (1 of 4 stars; one submission).

Conditions:
Hereditary angioedema type 1 (HAE1). Identifiers: Orphanet 100050, Orphanet 100051, Orphanet 91378, MedGen C2717906, MONDO:0015053, OMIM 106100.

Submission:

DNA-diagnostics Laboratory, Research Centre For Medical Genetics
Classification: Pathogenic for Hereditary angioedema type 1. Last evaluated: 2024-07-20. Review status: criteria provided, single submitter. Criteria: ACMG Guidelines, 2015. Collection method: research. Allele origin: germline. Inheritance: Autosomal dominant inheritance. Affected: yes. Observed: 3 variant alleles, 3 heterozygotes.
Comment: The c.382_391dup variant in SERPING1 meets ACMG/ClinGen SVI guidance criteria to be classified as pathogenic: PVS1, PP4_Str, PM2_Sup